The following is an entry in ClinVar:

ClinVar aggregate classification (germline): Uncertain significance. Review status: criteria provided, multiple submitters, no conflicts (2 of 4 stars). 2 submissions from 2 submitters: Uncertain significance (2). Last evaluated 2024-09-29.

Conditions:
Cardiovascular phenotype. Identifiers: MedGen CN230736.
Long QT syndrome (LQTS). Identifiers: MedGen C0023976, MeSH D008133, MONDO:0002442. Disease mechanism: loss of function. Inheritance: Various modes of inheritance.

Allele frequency attached by ClinVar (database versions not stated): gnomAD below 0.00001 and 0.00001; TOPMed 0.00002; gnomAD exomes 0.00003; ExAC 0.00007.
gnomAD v4.1: 43 of 1,609,744 alleles (0.0027%); highest among the groups gnomAD compares: South Asian, 0.01%; no homozygotes.

Submissions (2):

Labcorp Genetics (formerly Invitae), Labcorp
Classification: Uncertain significance for Long QT syndrome. Last evaluated: 2024-09-29. Review status: criteria provided, single submitter. Criteria: Invitae Variant Classification Sherloc (09022015). Collection method: clinical testing. Allele origin: germline.
Comment: This sequence change replaces arginine, which is basic and polar, with histidine, which is basic and polar, at codon 1123 of the CACNA1C protein (p.Arg1123His). This variant is present in population databases (rs745853358, gnomAD 0.007%). This variant has not been reported in the literature in individuals affected with CACNA1C-related conditions. ClinVar contains an entry for this variant (Variation ID: 308144). Invitae Evidence Modeling of protein sequence and biophysical properties (such as structural, functional, and spatial information, amino acid conservation, physicochemical variation, residue mobility, and thermodynamic stability) has been performed for this missense variant. However, the output from this modeling did not meet the statistical confidence thresholds required to predict the impact of this variant on CACNA1C protein function. In summary, the available evidence is currently insufficient to determine the role of this variant in disease. Therefore, it has been classified as a Variant of Uncertain Significance.

Ambry Genetics
Classification: Uncertain significance for Cardiovascular phenotype. Last evaluated: 2022-05-27. Review status: criteria provided, single submitter. Criteria: Ambry Variant Classification Scheme 2023. Collection method: clinical testing. Allele origin: germline.
Comment: The p.R1123H variant (also known as c.3368G>A), located in coding exon 27 of the CACNA1C gene, results from a G to A substitution at nucleotide position 3368. The arginine at codon 1123 is replaced by histidine, an amino acid with highly similar properties. This amino acid position is highly conserved in available vertebrate species. In addition, this alteration is predicted to be deleterious by in silico analysis. Based on the supporting evidence, the association of this alteration with CACNA1C-related neurodevelopmental disorder is unknown; however, the association of this alteration with Timothy syndrome or long QT syndrome is unlikely.

Literature cited by the submitters: PubMed 30847666 (cited by Ambry Genetics).

NM_000719.7(CACNA1C):c.3368G>A (p.Arg1123His)

Gene: CACNA1C (calcium voltage-gated channel subunit alpha1 C; plus strand). Cytogenetic location: 12p13.33.
Variant type: single nucleotide variant.
Coding change: c.3368G>A on transcript NM_000719.7 (MANE Select); coding-DNA position 3368, G replaced by A.
Protein change: p.Arg1123His; replaces arginine 1123 with histidine.
Molecular consequence: missense variant.
Genome position (GRCh38, 1-based): chr12:2,608,522, G>A. VCF-style: chr12-2608522-G-A. GRCh37 (hg19) VCF-style: chr12-2717688-G-A.
Other names: c.3428G>A, p.Arg1143His (NM_001129827.2, NM_001129832.2, NM_199460.4); c.3368G>A, p.Arg1123His (NM_001129829.2, NM_001129830.3, NM_001129831.2 and 15 more transcripts); c.3359G>A, p.Arg1120His (NM_001129844.2); short protein forms R1123H, R1143H, R1120H.
Identifiers: ClinVar variation 308144 (VCV000308144.12), dbSNP rs745853358, ClinGen allele CA6389228.